The following is an entry in ClinVar:

NM_000349.3(STAR):c.179-14G>A

Gene: STAR (steroidogenic acute regulatory protein; minus strand). Cytogenetic location: 8p11.23.
Variant type: single nucleotide variant.
Coding change: c.179-14G>A on transcript NM_000349.3 (MANE Select); 14 bases into the intron before coding-DNA position 179, G replaced by A.
Molecular consequence: intron variant.
Genome position (GRCh38, 1-based): chr8:38,148,341, C>T on the plus strand (G>A on the coding strand, the complement: STAR is on the minus strand). VCF-style: chr8-38148341-C-T. GRCh37 (hg19) VCF-style: chr8-38005859-C-T.
Identifiers: ClinVar variation 911273 (VCV000911273.9), dbSNP rs117578796, ClinGen allele CA4715317.

ClinVar aggregate classification (germline): Conflicting classifications of pathogenicity. Review status: criteria provided, conflicting classifications (1 of 4 stars). 3 submissions from 3 submitters: Uncertain significance (1); Benign (1). 1 of the submissions does not count toward it. Last evaluated 2026-01-28.

Conditions:
Congenital lipoid adrenal hyperplasia due to STAR deficency. Also called: Congenital Lipoid Adrenal Hyperplasia; Lipoid adrenal hyperplasia; Cholesterol monooxygenase (side-chain cleaving) deficiency; ADRENAL HYPERPLASIA I. Identifiers: Orphanet 418, Orphanet 90790, MedGen C0342474, MONDO:0008725, OMIM 201710.

Allele frequency attached by ClinVar (database versions not stated): ExAC 0.00057; gnomAD exomes 0.00057; TOPMed 0.00073; 1000 Genomes Project 30x 0.00094; 1000 Genomes Project 0.00100.
gnomAD v4.1: 317 of 1,613,860 alleles (0.02%); highest among the groups gnomAD compares: East Asian, 0.63%; 2 homozygotes.

Submissions (4):

Labcorp Genetics (formerly Invitae), Labcorp
Classification: Benign. Last evaluated: 2026-01-28. Review status: criteria provided, single submitter. Criteria: Invitae Variant Classification Sherloc (09022015). Collection method: clinical testing. Allele origin: germline.

Illumina Laboratory Services, Illumina
Classification: Uncertain significance for Congenital lipoid adrenal hyperplasia due to STAR deficency. Last evaluated: 2018-01-13. Review status: criteria provided, single submitter. Criteria: ICSL Variant Classification Criteria 13 December 2019. Collection method: clinical testing. Allele origin: germline.

Department of Pathology and Laboratory Medicine, Sinai Health System
Classification: Uncertain significance. Review status: no assertion criteria provided. Collection method: clinical testing. Allele origin: unknown. Affected: yes. Study: The Canadian Open Genetics Repository (COGR). Not counted in ClinVar's aggregate classification.
Comment: The STAR c.179-14G>A variant was not identified in the literature nor was it identified in ClinVar or LOVD 3.0. The variant was identified in dbSNP (ID: rs117578796) and in control databases in 159 of 282294 chromosomes at a frequency of 0.000563 increasing the likelihood this could be a low frequency benign variant (Genome Aggregation Database Feb 27, 2017). The variant was observed in the following populations: East Asian in 155 of 19940 chromosomes (freq: 0.007773), Latino in 2 of 35384 chromosomes (freq: 0.000057), South Asian in 1 of 30550 chromosomes (freq: 0.000033) and European (non-Finnish) in 1 of 128874 chromosomes (freq: 0.000008), but was not observed in the African, Ashkenazi Jewish, European (Finnish) or Other populations. The c.179-14G>A variant is not expected to have clinical significance because it does not result in a change of amino acid and is not located in a known consensus splice site. However, 4 of 4 in silico or computational prediction software programs (SpliceSiteFinder, MaxEntScan, NNSPLICE, GeneSplicer) predict a greater than 10% difference in splicing and the creation of a new 3' splice site. However, this information is not predictive enough to assume pathogenicity. In summary, based on the above information the clinical significance of this variant cannot be determined with certainty at this time. This variant is classified as a variant of uncertain significance.

Dr. Peter K. Rogan Lab, Western University
No classification provided (evidence only). Condition: Malignant lymphoma, large B-cell, diffuse. Review status: no classification provided. Collection method: in vitro. Allele origin: not applicable. Functional consequence: retained intron. Not counted in ClinVar's aggregate classification.